The following is an entry in ClinVar:

ClinVar aggregate classification (germline): Uncertain significance. Review status: criteria provided, multiple submitters, no conflicts (2 of 4 stars). 2 submissions from 2 submitters: Uncertain significance (2). Last evaluated 2025-11-10.

Conditions:
Epidermolysis bullosa simplex 5C, with pyloric atresia (EBS5C). Also called: PLEC-Related Epidermolysis Bullosa with Pyloric Atresia; Epidermolysis bullosa simplex with pyloric atresia; PLEC1-Related Epidermolysis Bullosa with Pyloric Atresia. Identifiers: Orphanet 158684, MedGen C2677349, MONDO:0012807, OMIM 612138.
Epidermolysis bullosa simplex with nail dystrophy (EBS5D). Identifiers: MedGen C4225309, MONDO:0014661, OMIM 616487.
Epidermolysis bullosa simplex 5B, with muscular dystrophy (EBS5B). Also called: Epidermolysis bullosa simplex with muscular dystrophy; EPIDERMOLYSIS BULLOSA SIMPLEX AND LIMB-GIRDLE MUSCULAR DYSTROPHY. Identifiers: Orphanet 257, MedGen C2931072, MONDO:0009181, OMIM 226670.
Autosomal recessive limb-girdle muscular dystrophy type 2Q (LGMDR17). Also called: MUSCULAR DYSTROPHY, LIMB-GIRDLE, AUTOSOMAL RECESSIVE 17. Identifiers: Orphanet 254361, MedGen C3150989, MONDO:0013390, OMIM 613723.
Epidermolysis bullosa simplex, Ogna type (EBS5A). Also called: Pidermolysis bullosa simplex 5A, Ogna type; EPIDERMOLYSIS BULLOSA SIMPLEX 5A, OGNA TYPE. Identifiers: Orphanet 79401, MedGen C0432317, MONDO:0007555, OMIM 131950.
Inborn genetic diseases. Identifiers: MedGen C0950123, MeSH D030342.

Allele frequency attached by ClinVar (database versions not stated): gnomAD exomes below 0.00001 and 0.00001; gnomAD 0.00002; TOPMed 0.00003.
gnomAD v4.1: 20 of 1,592,790 alleles (0.0013%); highest among the groups gnomAD compares: Non-Finnish European, 0.0017%; no homozygotes.

Submissions (2):

Labcorp Genetics (formerly Invitae), Labcorp
Classification: Uncertain significance for Autosomal recessive limb-girdle muscular dystrophy type 2Q; Epidermolysis bullosa simplex, Ogna type; Epidermolysis bullosa simplex with nail dystrophy; Epidermolysis bullosa simplex 5C, with pyloric atresia; Epidermolysis bullosa simplex 5B, with muscular dystrophy. Last evaluated: 2025-11-10. Review status: criteria provided, single submitter. Criteria: Invitae Variant Classification Sherloc (09022015). Collection method: clinical testing. Allele origin: germline.
Comment: This sequence change replaces alanine, which is neutral and non-polar, with threonine, which is neutral and polar, at codon 1867 of the PLEC protein (p.Ala1867Thr). The frequency data for this variant in the population databases is considered unreliable, as metrics indicate poor data quality at this position in the gnomAD database. This missense change has been observed in individual(s) with clinical features of PLEC-related conditions (internal data). ClinVar contains an entry for this variant (Variation ID: 570551). Experimental studies and prediction algorithms are not available or were not evaluated, and the functional significance of this variant is currently unknown. In summary, the available evidence is currently insufficient to determine the role of this variant in disease. Therefore, it has been classified as a Variant of Uncertain Significance.

Ambry Genetics
Classification: Uncertain significance for Inborn genetic diseases. Last evaluated: 2021-09-16. Review status: criteria provided, single submitter. Criteria: Ambry Variant Classification Scheme 2023. Collection method: clinical testing. Allele origin: germline.

NM_201384.3(PLEC):c.5518G>A (p.Ala1840Thr)

Gene: PLEC (plectin; minus strand). Cytogenetic location: 8q24.3.
Variant type: single nucleotide variant.
Coding change: c.5518G>A on transcript NM_201384.3 (MANE Select); coding-DNA position 5518, G replaced by A.
Protein change: p.Ala1840Thr; replaces alanine 1840 with threonine.
Molecular consequence: missense variant.
Genome position (GRCh38, 1-based): chr8:143,924,411, C>T on the plus strand (G>A on the coding strand, the complement: PLEC is on the minus strand). VCF-style: chr8-143924411-C-T. GRCh37 (hg19) VCF-style: chr8-144998579-C-T.
Other names: c.5599G>A, p.Ala1867Thr (NM_000445.5); c.5476G>A, p.Ala1826Thr (NM_201378.4); c.5452G>A, p.Ala1818Thr (NM_201379.3); c.5929G>A, p.Ala1977Thr (NM_201380.4); c.5422G>A, p.Ala1808Thr (NM_201381.3); c.5518G>A, p.Ala1840Thr (NM_201382.4); c.5530G>A, p.Ala1844Thr (NM_201383.3); c.5599G>A (NM_000445.3); short protein forms A1818T, A1844T, A1867T, A1840T, A1808T, A1826T, A1977T.
Identifiers: ClinVar variation 570551 (VCV000570551.7), dbSNP rs965487347, ClinGen allele CA187615655.